The following is an entry in ClinVar:

NM_003238.6(TGFB2):c.38A>G (p.His13Arg)

Gene: TGFB2 (transforming growth factor beta 2; plus strand). Cytogenetic location: 1q41.
Variant type: single nucleotide variant.
Coding change: c.38A>G on transcript NM_003238.6 (MANE Select); coding-DNA position 38, A replaced by G.
Protein change: p.His13Arg; replaces histidine 13 with arginine.
Molecular consequence: missense variant. On other transcripts: non-coding transcript variant (2).
Genome position (GRCh38, 1-based): chr1:218,346,739, A>G. VCF-style: chr1-218346739-A-G. GRCh37 (hg19) VCF-style: chr1-218520081-A-G.
Other names: c.38A>G, p.His13Arg (NM_001135599.4); short protein forms H13R.
Identifiers: ClinVar variation 2975770 (VCV002975770.3), dbSNP rs1656693157, ClinGen allele CA344725146.

ClinVar aggregate classification (germline): Uncertain significance (1 of 4 stars; one submission).

Conditions:
Loeys-Dietz syndrome 4 (LDS4). Also called: ANEURYSM, AORTIC AND CEREBRAL, WITH ARTERIAL TORTUOSITY AND SKELETAL MANIFESTATIONS; TGFB2-Related Loeys-Dietz Syndrome. Identifiers: MedGen C3553762, MONDO:0013897, OMIM 614816.

Allele frequency attached by ClinVar (database versions not stated): gnomAD 0.00001.
gnomAD v4.1: 1 of 1,613,766 alleles (0.000062%); highest among the groups gnomAD compares: African/African-American, 0.0013%; no homozygotes.

Submission:

Labcorp Genetics (formerly Invitae), Labcorp
Classification: Uncertain significance for Loeys-Dietz syndrome 4. Last evaluated: 2023-07-14. Review status: criteria provided, single submitter. Criteria: Invitae Variant Classification Sherloc (09022015). Collection method: clinical testing. Allele origin: germline.
Comment: In summary, the available evidence is currently insufficient to determine the role of this variant in disease. Therefore, it has been classified as a Variant of Uncertain Significance. Advanced modeling of protein sequence and biophysical properties (such as structural, functional, and spatial information, amino acid conservation, physicochemical variation, residue mobility, and thermodynamic stability) performed at Invitae indicates that this missense variant is not expected to disrupt TGFB2 protein function. This variant has not been reported in the literature in individuals affected with TGFB2-related conditions. This variant is not present in population databases (gnomAD no frequency). This sequence change replaces histidine, which is basic and polar, with arginine, which is basic and polar, at codon 13 of the TGFB2 protein (p.His13Arg).